The following is an entry in ClinVar:

NM_032119.4(ADGRV1):c.3222A>G (p.Ile1074Met)

Gene: ADGRV1 (adhesion G protein-coupled receptor V1; plus strand). Cytogenetic location: 5q14.3.
Variant type: single nucleotide variant.
Coding change: c.3222A>G on transcript NM_032119.4 (MANE Select); coding-DNA position 3222, A replaced by G.
Protein change: p.Ile1074Met; replaces isoleucine 1074 with methionine.
Molecular consequence: missense variant. On other transcripts: non-coding transcript variant (1).
Genome position (GRCh38, 1-based): chr5:90,647,697, A>G. VCF-style: chr5-90647697-A-G. GRCh37 (hg19) VCF-style: chr5-89943514-A-G.
Other names: short protein forms I1074M.
Identifiers: ClinVar variation 1686666 (VCV001686666.19), dbSNP rs751404994, ClinGen allele CA3339128.

ClinVar aggregate classification (germline): Conflicting classifications of pathogenicity. Review status: criteria provided, conflicting classifications (1 of 4 stars). 4 submissions from 4 submitters: Uncertain significance (3); Likely benign (1). Last evaluated 2025-06-10.

Conditions:
Inborn genetic diseases. Identifiers: MedGen C0950123, MeSH D030342.

Allele frequency attached by ClinVar (database versions not stated): gnomAD exomes below 0.00001; TOPMed below 0.00001; ExAC 0.00001; gnomAD 0.00001.
gnomAD v4.1: 7 of 1,613,442 alleles (0.00043%); highest among the groups gnomAD compares: South Asian, 0.0077%; no homozygotes.

Submissions (4):

Ambry Genetics
Classification: Uncertain significance for Inborn genetic diseases. Last evaluated: 2025-06-10. Review status: criteria provided, single submitter. Criteria: Ambry Variant Classification Scheme 2023. Collection method: clinical testing. Allele origin: germline.

CeGaT Center for Human Genetics Tuebingen
Classification: Uncertain significance. Last evaluated: 2024-12-01. Review status: criteria provided, single submitter. Criteria: CeGaT Center For Human Genetics Tuebingen Variant Classification Criteria Version 2. Collection method: clinical testing. Allele origin: germline. Affected: yes. Observed: 1 variant allele.
Comment: ADGRV1: PM2, BP4

Labcorp Genetics (formerly Invitae), Labcorp
Classification: Likely benign. Last evaluated: 2024-10-16. Review status: criteria provided, single submitter. Criteria: Invitae Variant Classification Sherloc (09022015). Collection method: clinical testing. Allele origin: germline.

GeneDx
Classification: Uncertain significance. Last evaluated: 2022-05-04. Review status: criteria provided, single submitter. Criteria: GeneDx Variant Classification Process June 2021. Collection method: clinical testing. Allele origin: germline. Affected: yes.
Comment: Not observed at significant frequency in large population cohorts (gnomAD); In silico analysis supports that this missense variant does not alter protein structure/function; Has not been previously published as pathogenic or benign to our knowledge